The following is an entry in ClinVar:

NM_001347721.2(DYRK1A):c.2049T>C (p.Phe683=)

Gene: DYRK1A (dual specificity tyrosine phosphorylation regulated kinase 1A; plus strand). Cytogenetic location: 21q22.13.
Variant type: single nucleotide variant.
Coding change: c.2049T>C on transcript NM_001347721.2 (MANE Select); coding-DNA position 2049, T replaced by C.
Protein change: p.Phe683=; no amino-acid change (phenylalanine 683 retained).
Molecular consequence: synonymous variant. On other transcripts: 3 prime UTR variant (2).
Genome position (GRCh38, 1-based): chr21:37,512,315, T>C. VCF-style: chr21-37512315-T-C. GRCh37 (hg19) VCF-style: chr21-38884618-T-C.
Other names: c.2049T>C, p.Phe683= (NM_001347722.2, NM_130436.2); c.1962T>C, p.Phe654= (NM_001347723.2); c.2076T>C, p.Phe692= (NM_001396.5); c.*452T>C (NM_101395.2); c.*361T>C (NM_130438.2).
Identifiers: ClinVar variation 384142 (VCV000384142.19), dbSNP rs375130004, ClinGen allele CA10024153.

ClinVar aggregate classification (germline): Likely benign. Review status: criteria provided, multiple submitters, no conflicts (2 of 4 stars). 6 submissions from 6 submitters: Likely benign (5). 1 of the submissions does not count toward it. Last evaluated 2025-10-21.

Conditions:
Inborn genetic diseases. Identifiers: MedGen C0950123, MeSH D030342.
DYRK1A-related intellectual disability syndrome (MRD7). Also called: Intellectual developmental disorder, autosomal dominant 7; DYRK1A Syndrome. Identifiers: Orphanet 464306, MedGen C5568143, MONDO:0013578, OMIM 614104.
DYRK1A-related disorder.

Allele frequency attached by ClinVar (database versions not stated): ESP Exome Variant Server 0.00008; gnomAD 0.00008; gnomAD exomes 0.00009 and 0.00015; TOPMed 0.00009; ExAC 0.00012; 1000 Genomes Project 30x 0.00016; 1000 Genomes Project 0.00020.
gnomAD v4.1: 231 of 1,614,250 alleles (0.014%); highest among the groups gnomAD compares: Non-Finnish European, 0.018%; 1 homozygote.

Submissions (6):

Labcorp Genetics (formerly Invitae), Labcorp
Classification: Likely benign for DYRK1A-related intellectual disability syndrome. Last evaluated: 2025-10-21. Review status: criteria provided, single submitter. Criteria: Invitae Variant Classification Sherloc (09022015). Collection method: clinical testing. Allele origin: germline.

Blueprint Genetics
Classification: Likely benign. Last evaluated: 2024-09-06. Review status: criteria provided, single submitter. Criteria: ACMG Guidelines, 2015. Collection method: clinical testing. Allele origin: germline.

Fulgent Genetics
Classification: Likely benign for DYRK1A-related intellectual disability syndrome. Last evaluated: 2021-08-26. Review status: criteria provided, single submitter. Criteria: ACMG Guidelines, 2015. Collection method: clinical testing. Allele origin: unknown.

GeneDx
Classification: Likely benign. Last evaluated: 2020-08-28. Review status: criteria provided, single submitter. Criteria: GeneDx Variant Classification Process June 2021. Collection method: clinical testing. Allele origin: germline. Affected: yes.

Ambry Genetics
Classification: Likely benign for Inborn genetic diseases. Last evaluated: 2018-08-17. Review status: criteria provided, single submitter. Criteria: Ambry Variant Classification Scheme 2023. Collection method: clinical testing. Allele origin: germline.

PreventionGenetics, part of Exact Sciences
Classification: Likely benign for DYRK1A-related condition. Last evaluated: 2021-11-03. Review status: no assertion criteria provided. Collection method: clinical testing. Allele origin: germline. Not counted in ClinVar's aggregate classification.
Comment: This variant is classified as likely benign based on ACMG/AMP sequence variant interpretation guidelines (Richards et al. 2015 PMID: 25741868, with internal and published modifications).